The following is an entry in ClinVar:

ClinVar aggregate classification (germline): Uncertain significance (1 of 4 stars; one submission).

Conditions:
Bardet-Biedl syndrome (BBS). Identifiers: Orphanet 110, MedGen C0752166, MONDO:0015229.

Allele frequency attached by ClinVar (database versions not stated): gnomAD 0.00001.
gnomAD v4.1: 2 of 1,614,150 alleles (0.00012%); highest among the groups gnomAD compares: South Asian, 0.0022%; no homozygotes.

Submission:

Labcorp Genetics (formerly Invitae), Labcorp
Classification: Uncertain significance for Bardet-Biedl syndrome. Last evaluated: 2023-07-10. Review status: criteria provided, single submitter. Criteria: Invitae Variant Classification Sherloc (09022015). Collection method: clinical testing. Allele origin: germline.
Comment: Advanced modeling of protein sequence and biophysical properties (such as structural, functional, and spatial information, amino acid conservation, physicochemical variation, residue mobility, and thermodynamic stability) performed at Invitae indicates that this missense variant is not expected to disrupt BBS10 protein function. ClinVar contains an entry for this variant (Variation ID: 2155543). This variant has not been reported in the literature in individuals affected with BBS10-related conditions. This variant is not present in population databases (gnomAD no frequency). This sequence change replaces isoleucine, which is neutral and non-polar, with threonine, which is neutral and polar, at codon 387 of the BBS10 protein (p.Ile387Thr). In summary, the available evidence is currently insufficient to determine the role of this variant in disease. Therefore, it has been classified as a Variant of Uncertain Significance.

NM_024685.4(BBS10):c.1160T>C (p.Ile387Thr)

Gene: BBS10 (Bardet-Biedl syndrome 10; minus strand). Cytogenetic location: 12q21.2.
Variant type: single nucleotide variant.
Coding change: c.1160T>C on transcript NM_024685.4 (MANE Select); coding-DNA position 1160, T replaced by C.
Protein change: p.Ile387Thr; replaces isoleucine 387 with threonine.
Molecular consequence: missense variant.
Genome position (GRCh38, 1-based): chr12:76,346,825, A>G on the plus strand (T>C on the coding strand, the complement: BBS10 is on the minus strand). VCF-style: chr12-76346825-A-G. GRCh37 (hg19) VCF-style: chr12-76740605-A-G.
Other names: short protein forms I387T.
Identifiers: ClinVar variation 2155543 (VCV002155543.4), dbSNP rs2136090546, ClinGen allele CA385812546.